The following is an entry in ClinVar:

NM_016729.3(FOLR1):c.494-3C>T

Genes: FOLR1 (folate receptor alpha; plus strand), FOLR1-AS1 (FOLR1 antisense RNA 1; minus strand). Cytogenetic location: 11q13.4.
Variant type: single nucleotide variant.
Coding change: c.494-3C>T on transcript NM_016729.3 (MANE Select); 3 bases into the intron before coding-DNA position 494, C replaced by T.
Molecular consequence: intron variant.
Genome position (GRCh38, 1-based): chr11:72,195,894, C>T. VCF-style: chr11-72195894-C-T. GRCh37 (hg19) VCF-style: chr11-71906938-C-T.
Other names: c.494-3C>T (NM_016724.3, NM_016725.3, NM_000802.3).
Identifiers: ClinVar variation 1981689 (VCV001981689.2), dbSNP rs757104960, ClinGen allele CA6169217.
Genomic context (GRCh38, chr11:72,195,894, plus strand): 5'-GGGCTGGCAGACCTCAAGATAGTTCCGGGCCCAGTGGCTAAAGGTCTTCCCTCCTCTCTA[C>T]AGGGTTTAACAAGTGCGCAGTGGGAGCTGCCTGCCAACCTTTCCATTTCTACTTCCCCAC-3'

ClinVar aggregate classification (germline): Conflicting classifications of pathogenicity. Review status: criteria provided, conflicting classifications (1 of 4 stars). 2 submissions from 2 submitters: Uncertain significance (1); Likely benign (1). Last evaluated 2023-10-06.

Conditions:
Cerebral folate transport deficiency. Also called: Neurodegenerative syndrome due to cerebral folate transport deficiency; FOLATE RECEPTOR DEFICIENCY; Cerebral folate deficiency syndrome; NEURODEGENERATION DUE TO CEREBRAL FOLATE TRANSPORT DEFICIENCY; FOLR1-Related Cerebral Folate Transport Deficiency. Identifiers: Orphanet 217382, MedGen C2751584, MONDO:0013110, OMIM 613068. Disease mechanism: loss of function.

Allele frequency attached by ClinVar (database versions not stated): ExAC 0.00001; gnomAD exomes 0.00001.

Submissions (2):

Blueprint Genetics
Classification: Likely benign. Last evaluated: 2023-10-06. Review status: criteria provided, single submitter. Criteria: ACMG Guidelines, 2015. Collection method: clinical testing. Allele origin: germline.

Labcorp Genetics (formerly Invitae), Labcorp
Classification: Uncertain significance for Cerebral folate transport deficiency. Last evaluated: 2022-05-12. Review status: criteria provided, single submitter. Criteria: Invitae Variant Classification Sherloc (09022015). Collection method: clinical testing. Allele origin: germline.
Comment: This sequence change falls in intron 4 of the FOLR1 gene. It does not directly change the encoded amino acid sequence of the FOLR1 protein. It affects a nucleotide within the consensus splice site. This variant is present in population databases (rs757104960, gnomAD 0.006%). This variant has not been reported in the literature in individuals affected with FOLR1-related conditions. Variants that disrupt the consensus splice site are a relatively common cause of aberrant splicing (PMID: 17576681, 9536098). Algorithms developed to predict the effect of sequence changes on RNA splicing suggest that this variant is not likely to affect RNA splicing. In summary, the available evidence is currently insufficient to determine the role of this variant in disease. Therefore, it has been classified as a Variant of Uncertain Significance.

Literature cited by the submitters: PubMed 17576681 (cited by Labcorp Genetics (formerly Invitae), Labcorp); PubMed 9536098 (cited by Labcorp Genetics (formerly Invitae), Labcorp).